The following is an entry in ClinVar:

NM_014396.4(VPS41):c.468G>A (p.Arg156=)

Gene: VPS41 (VPS41 subunit of HOPS complex; minus strand). Cytogenetic location: 7p14.1.
Variant type: single nucleotide variant.
Coding change: c.468G>A on transcript NM_014396.4 (MANE Select); coding-DNA position 468, G replaced by A.
Protein change: p.Arg156=; no amino-acid change (arginine 156 retained).
Molecular consequence: synonymous variant.
Genome position (GRCh38, 1-based): chr7:38,796,847, C>T on the plus strand (G>A on the coding strand, the complement: VPS41 is on the minus strand). VCF-style: chr7-38796847-C-T. GRCh37 (hg19) VCF-style: chr7-38836447-C-T.
Other names: c.393G>A, p.Arg131= (NM_080631.4).
Identifiers: ClinVar variation 4821390 (VCV004821390.4).

ClinVar aggregate classification (germline): Likely benign (1 of 4 stars; one submission).

gnomAD v4.1: 246 of 1,613,912 alleles (0.015%); highest among the groups gnomAD compares: African/African-American, 0.25%; 1 homozygote.

Submission:

CeGaT Center for Human Genetics Tuebingen
Classification: Likely benign. Last evaluated: 2026-02-01. Review status: criteria provided, single submitter. Criteria: CeGaT Center For Human Genetics Tuebingen Variant Classification Criteria Version 2. Collection method: clinical testing. Allele origin: germline. Affected: yes. Observed: 1 variant allele.
Comment: VPS41: BP4, BP7